The following is an entry in ClinVar:

NM_198428.3(BBS9):c.886+4T>A

Gene: BBS9 (Bardet-Biedl syndrome 9; plus strand). Cytogenetic location: 7p14.3.
Variant type: single nucleotide variant.
Coding change: c.886+4T>A on transcript NM_198428.3 (MANE Select); 4 bases into the intron after coding-DNA position 886, T replaced by A.
Molecular consequence: intron variant.
Genome position (GRCh38, 1-based): chr7:33,273,199, T>A. VCF-style: chr7-33273199-T-A. GRCh37 (hg19) VCF-style: chr7-33312811-T-A.
Other names: c.886+4T>A (NM_001348036.1, NM_001362679.1, NM_001348041.4 and 5 more transcripts); c.613+4T>A (NM_001348038.3, NM_001348039.3); c.520+4T>A (NM_001348037.3, NM_001348045.3, NM_001348046.3 and 1 more transcripts); c.751+4T>A (NM_001348042.3).
Identifiers: ClinVar variation 1468582 (VCV001468582.6), dbSNP rs542391272, ClinGen allele CA2573142106.
Genomic context (GRCh38, chr7:33,273,199, plus strand): 5'-TTCGATTCATGAAGAAGCTTGATTGGAGCCCAAGTTGTTTTCTGCCATATTGCTCAGGTG[T>A]GTAGAAAGATTTTCTTTTATCTCTTCCATATGTCAAGGCTATGTGATATACACCAGAAAA-3'

ClinVar aggregate classification (germline): Uncertain significance (1 of 4 stars; one submission).

Conditions:
Bardet-Biedl syndrome (BBS). Identifiers: Orphanet 110, MedGen C0752166, MONDO:0015229.

Submission:

Labcorp Genetics (formerly Invitae), Labcorp
Classification: Uncertain significance for Bardet-Biedl syndrome. Last evaluated: 2021-04-03. Review status: criteria provided, single submitter. Criteria: Invitae Variant Classification Sherloc (09022015). Collection method: clinical testing. Allele origin: germline.
Comment: In summary, the available evidence is currently insufficient to determine the role of this variant in disease. Therefore, it has been classified as a Variant of Uncertain Significance. Nucleotide substitutions within the consensus splice site are a relatively common cause of aberrant splicing (PMID: 17576681, 9536098). Algorithms developed to predict the effect of sequence changes on RNA splicing suggest that this variant is not likely to affect RNA splicing, but this prediction has not been confirmed by published transcriptional studies. This variant has not been reported in the literature in individuals with BBS9-related conditions. This variant is not present in population databases (ExAC no frequency). This sequence change falls in intron 8 of the BBS9 gene. It does not directly change the encoded amino acid sequence of the BBS9 protein. It affects a nucleotide within the consensus splice site of the intron.

Literature cited by the submitters: PubMed 17576681; PubMed 9536098.